The following is an entry in ClinVar:

NM_144997.7(FLCN):c.1137A>G (p.Arg379=)

Gene: FLCN (folliculin; minus strand). Cytogenetic location: 17p11.2.
Variant type: single nucleotide variant.
Coding change: c.1137A>G on transcript NM_144997.7 (MANE Select); coding-DNA position 1137, A replaced by G.
Protein change: p.Arg379=; no amino-acid change (arginine 379 retained).
Molecular consequence: synonymous variant.
Genome position (GRCh38, 1-based): chr17:17,217,108, T>C on the plus strand (A>G on the coding strand, the complement: FLCN is on the minus strand). VCF-style: chr17-17217108-T-C. GRCh37 (hg19) VCF-style: chr17-17120422-T-C.
Other names: c.1191A>G, p.Arg397= (NM_001353229.2); c.1137A>G, p.Arg379= (NM_001353230.2, NM_001353231.2).
Identifiers: ClinVar variation 2451823 (VCV002451823.3), dbSNP rs2046949613, ClinGen allele CA498163371.
Genomic context (GRCh38, chr17:17,217,108, plus strand): 5'-CTAAGGAAAAGATGTTCTCACCCGAAGTACTTCAAAAGCTGACTGGACGAGGTCCACGTC[T>C]CTGCTTTTCCAGATCACCTGGTTCCCCATGAGAACGTGCCAGGCCAGCATGCGGAAAGAA-3'
Protein context (NP_659434.2, residues 369-389): LMGNQVIWKS[Arg379=]DVDLVQSAFE

ClinVar aggregate classification (germline): Benign/Likely benign. Review status: criteria provided, multiple submitters, no conflicts (2 of 4 stars). 2 submissions from 2 submitters: Benign (1); Likely benign (1). Last evaluated 2024-10-24.

Conditions:
Hereditary cancer-predisposing syndrome. Also called: Neoplastic Syndromes, Hereditary; Tumor predisposition; Hereditary neoplastic syndrome; Hereditary Cancer Syndrome. Identifiers: Orphanet 140162, MedGen C0027672, MeSH D009386, MONDO:0015356.
Birt-Hogg-Dube syndrome 1 (BHD1). Also called: FIBROFOLLICULOMAS WITH TRICHODISCOMAS AND ACROCHORDONS. Identifiers: Orphanet 122, MedGen CN375946, MONDO:0800445, OMIM 135150.

Allele frequency attached by ClinVar (database versions not stated): TOPMed below 0.00001; gnomAD exomes 0.00001.

Submissions (2):

Myriad Genetics, Inc.
Classification: Benign for Birt-Hogg-Dube syndrome 1. Last evaluated: 2024-10-24. Review status: criteria provided, single submitter. Criteria: Myriad Autosomal Dominant, Autosomal Recessive and X-Linked Classification Criteria (2023). Collection method: clinical testing. Allele origin: unknown.
Comment: This variant is considered benign. This variant is a silent/synonymous amino acid change and it is not expected to impact splicing.

Ambry Genetics
Classification: Likely benign for Hereditary cancer-predisposing syndrome. Last evaluated: 2022-11-30. Review status: criteria provided, single submitter. Criteria: Ambry Variant Classification Scheme 2023. Collection method: clinical testing. Allele origin: germline.